The following is an entry in ClinVar:

NM_001673.5(ASNS):c.904-1G>A

Genes: ASNS (asparagine synthetase (glutamine-hydrolyzing); minus strand), CZ1P-ASNS (CZ1P-ASNS readthrough; minus strand). Cytogenetic location: 7q21.3.
Variant type: single nucleotide variant.
Coding change: c.904-1G>A on transcript NM_001673.5 (MANE Select); the canonical splice acceptor site of the intron before coding-DNA position 904, G replaced by A.
Molecular consequence: splice acceptor variant.
Genome position (GRCh38, 1-based): chr7:97,856,817, C>T on the plus strand (G>A on the coding strand, the complement: ASNS is on the minus strand). VCF-style: chr7-97856817-C-T. GRCh37 (hg19) VCF-style: chr7-97486129-C-T.
Other names: c.904-1G>A (NM_001352496.2, NM_183356.4, NM_133436.3); c.655-1G>A (NM_001178076.2, NM_001178077.1); c.841-1G>A (NM_001178075.2).
Identifiers: ClinVar variation 2813418 (VCV002813418.3), dbSNP rs1363014007, ClinGen allele CA368267337.

ClinVar aggregate classification (germline): Likely pathogenic (1 of 4 stars; one submission).

Allele frequency attached by ClinVar (database versions not stated): gnomAD exomes below 0.00001.
gnomAD v4.1: 5 of 1,597,886 alleles (0.00031%); highest among the groups gnomAD compares: Non-Finnish European, 0.00043%; no homozygotes.

Submission:

Labcorp Genetics (formerly Invitae), Labcorp
Classification: Likely pathogenic. Last evaluated: 2025-08-29. Review status: criteria provided, single submitter. Criteria: Invitae Variant Classification Sherloc (09022015). Collection method: clinical testing. Allele origin: germline.
Comment: This sequence change affects an acceptor splice site in intron 7 of the ASNS gene. It is expected to disrupt RNA splicing. Variants that disrupt the donor or acceptor splice site typically lead to a loss of protein function (PMID: 16199547), and loss-of-function variants in ASNS are known to be pathogenic (PMID: 27422383, 30057589). This variant is present in population databases (no rsID available, gnomAD 0.0009%). This variant has not been reported in the literature in individuals affected with ASNS-related conditions. ClinVar contains an entry for this variant (Variation ID: 2813418). Algorithms developed to predict the effect of sequence changes on RNA splicing suggest that this variant may disrupt the consensus splice site. In summary, the currently available evidence indicates that the variant is pathogenic, but additional data are needed to prove that conclusively. Therefore, this variant has been classified as Likely Pathogenic.

Literature cited by the submitters: PubMed 16199547; PubMed 27422383; PubMed 30057589.